The following is an entry in ClinVar:

ClinVar aggregate classification (germline): Likely pathogenic (1 of 4 stars; one submission).

Conditions:
Microphthalmia, syndromic 12 (MCOPS12). Also called: MICROPHTHALMIA WITH OR WITHOUT PULMONARY HYPOPLASIA, DIAPHRAGMATIC HERNIA, AND/OR CARDIAC DEFECTS. Identifiers: Orphanet 2470, Orphanet 689829, MedGen C3809803, MONDO:0014229, OMIM 615524.

Submission:

Juno Genomics, Hangzhou Juno Genomics, Inc
Classification: Likely pathogenic for Microphthalmia, syndromic 12. Review status: criteria provided, single submitter. Criteria: ACMG Guidelines, 2015. Collection method: clinical testing. Allele origin: germline.
Comment: Absent from controls (or at extremely low frequency if recessive) in Genome Aggregation Database.;Missense variant in a gene that has a low rate of benign missense variation.;Multiple lines of computational evidence support a deleterious effect on the gene or gene product.

NM_000965.5(RARB):c.241T>G (p.Cys81Gly)

Gene: RARB (retinoic acid receptor beta; plus strand). Cytogenetic location: 3p24.2.
Variant type: single nucleotide variant.
Coding change: c.241T>G on transcript NM_000965.5 (MANE Select); coding-DNA position 241, T replaced by G.
Protein change: p.Cys81Gly; replaces cysteine 81 with glycine.
Molecular consequence: missense variant. On other transcripts: 5 prime UTR variant (3), non-coding transcript variant (2).
Genome position (GRCh38, 1-based): chr3:25,461,276, T>G. VCF-style: chr3-25461276-T-G. GRCh37 (hg19) VCF-style: chr3-25502767-T-G.
Other names: c.262T>G, p.Cys88Gly (NM_001290216.3); c.-96T>G (NM_001290217.2, NM_001290276.2, NM_016152.4); c.94T>G, p.Cys32Gly (NM_001290266.2); c.241T>G, p.Cys81Gly (NM_001290277.1); c.112T>G, p.Cys38Gly (NM_001290300.2); short protein forms C32G, C38G, C81G, C88G.
Identifiers: ClinVar variation 5019712 (VCV005019712.2).